The following is an entry in ClinVar:

NM_001042432.2(CLN3):c.731A>C (p.Glu244Ala)

Gene: CLN3 (CLN3 lysosomal/endosomal transmembrane protein, battenin; minus strand). Cytogenetic location: 16p12.1.
Variant type: single nucleotide variant.
Coding change: c.731A>C on transcript NM_001042432.2 (MANE Select); coding-DNA position 731, A replaced by C.
Protein change: p.Glu244Ala; replaces glutamic acid 244 with alanine.
Molecular consequence: missense variant.
Genome position (GRCh38, 1-based): chr16:28,484,065, T>G on the plus strand (A>C on the coding strand, the complement: CLN3 is on the minus strand). VCF-style: chr16-28484065-T-G. GRCh37 (hg19) VCF-style: chr16-28495386-T-G.
Other names: c.731A>C, p.Glu244Ala (NM_000086.2); c.659A>C, p.Glu220Ala (NM_001286104.2); c.431A>C, p.Glu144Ala (NM_001286105.2); c.497A>C, p.Glu166Ala (NM_001286109.2); c.569A>C, p.Glu190Ala (NM_001286110.2); short protein forms E166A, E244A, E220A, E144A, E190A.
Identifiers: ClinVar variation 944154 (VCV000944154.7), dbSNP rs2046160099, ClinGen allele CA395344827.

ClinVar aggregate classification (germline): Uncertain significance (1 of 4 stars; one submission).

Conditions:
Neuronal ceroid lipofuscinosis. Also called: Neuronal Ceroid Lipofuscinoses. Identifiers: Orphanet 216, Orphanet 79263, MedGen C0027877, MONDO:0016295. Disease mechanism: loss of function.

Submission:

Labcorp Genetics (formerly Invitae), Labcorp
Classification: Uncertain significance for Neuronal ceroid lipofuscinosis. Last evaluated: 2021-09-01. Review status: criteria provided, single submitter. Criteria: Invitae Variant Classification Sherloc (09022015). Collection method: clinical testing. Allele origin: germline.
Comment: This sequence change replaces glutamic acid with alanine at codon 244 of the CLN3 protein (p.Glu244Ala). The glutamic acid residue is moderately conserved and there is a moderate physicochemical difference between glutamic acid and alanine. This variant is not present in population databases (ExAC no frequency). This variant has not been reported in the literature in individuals affected with CLN3-related conditions. Algorithms developed to predict the effect of missense changes on protein structure and function (SIFT, PolyPhen-2, Align-GVGD) all suggest that this variant is likely to be tolerated. In summary, the available evidence is currently insufficient to determine the role of this variant in disease. Therefore, it has been classified as a Variant of Uncertain Significance.